The following is an entry in ClinVar:

ClinVar aggregate classification (germline): Uncertain significance (1 of 4 stars; one submission).

gnomAD v4.1: 2 of 1,613,800 alleles (0.00012%); highest among the groups gnomAD compares: African/African-American, 0.0027%; no homozygotes.

Submission:

GeneDx
Classification: Uncertain significance. Last evaluated: 2024-10-14. Review status: criteria provided, single submitter. Criteria: GeneDx Variant Classification Process June 2021. Collection method: clinical testing. Allele origin: germline. Affected: yes.
Comment: Not observed at significant frequency in large population cohorts (gnomAD); In silico analysis indicates that this missense variant does not alter protein structure/function; Has not been previously published as pathogenic or benign to our knowledge

NM_001080517.3(SETD5):c.716C>T (p.Ser239Phe)

Gene: SETD5 (SET domain containing 5; plus strand). Cytogenetic location: 3p25.3.
Variant type: single nucleotide variant.
Coding change: c.716C>T on transcript NM_001080517.3 (MANE Select); coding-DNA position 716, C replaced by T.
Protein change: p.Ser239Phe; replaces serine 239 with phenylalanine.
Molecular consequence: missense variant.
Genome position (GRCh38, 1-based): chr3:9,440,604, C>T. VCF-style: chr3-9440604-C-T. GRCh37 (hg19) VCF-style: chr3-9482288-C-T.
Other names: c.422C>T, p.Ser141Phe (NM_001292043.2, NM_001349451.2); short protein forms S141F, S239F.
Identifiers: ClinVar variation 3777389 (VCV003777389.1).